The following is an entry in ClinVar:

NM_000548.5(TSC2):c.2409G>C (p.Gln803His)

Gene: TSC2 (TSC complex subunit 2; plus strand). Cytogenetic location: 16p13.3.
Variant type: single nucleotide variant.
Coding change: c.2409G>C on transcript NM_000548.5 (MANE Select); coding-DNA position 2409, G replaced by C.
Protein change: p.Gln803His; replaces glutamine 803 with histidine.
Molecular consequence: missense variant.
Genome position (GRCh38, 1-based): chr16:2,074,253, G>C. VCF-style: chr16-2074253-G-C. GRCh37 (hg19) VCF-style: chr16-2124254-G-C.
Other names: c.2298G>C, p.Gln766His (NM_001318827.2); c.2262G>C, p.Gln754His (NM_001318829.2); c.1809G>C, p.Gln603His (NM_001318831.2); c.2442G>C, p.Gln814His (NM_001318832.2); c.2409G>C, p.Gln803His (NM_001363528.2, NM_001370404.1, NM_001370405.1 and 3 more transcripts); short protein forms Q603H, Q754H, Q766H, Q803H, Q814H.
Identifiers: ClinVar variation 1002838 (VCV001002838.8), dbSNP rs1400548727, ClinGen allele CA394277158.

ClinVar aggregate classification (germline): Uncertain significance (1 of 4 stars; one submission).

Conditions:
Tuberous sclerosis 2 (TSC2). Identifiers: Orphanet 805, MedGen C1860707, MONDO:0013199, OMIM 613254.

Submission:

Labcorp Genetics (formerly Invitae), Labcorp
Classification: Uncertain significance for Tuberous sclerosis 2. Last evaluated: 2020-08-14. Review status: criteria provided, single submitter. Criteria: Invitae Variant Classification Sherloc (09022015). Collection method: clinical testing. Allele origin: germline.
Comment: In summary, the available evidence is currently insufficient to determine the role of this variant in disease. Therefore, it has been classified as a Variant of Uncertain Significance. Advanced modeling of protein sequence and biophysical properties (such as structural, functional, and spatial information, amino acid conservation, physicochemical variation, residue mobility, and thermodynamic stability) performed at Invitae indicates that this missense variant is not expected to disrupt TSC2 protein function. This variant has not been reported in the literature in individuals with TSC2-related conditions. This variant is not present in population databases (ExAC no frequency). This sequence change replaces glutamine with histidine at codon 803 of the TSC2 protein (p.Gln803His). The glutamine residue is highly conserved and there is a small physicochemical difference between glutamine and histidine.